The following is an entry in ClinVar:

ClinVar aggregate classification (germline): Uncertain significance (1 of 4 stars; one submission).

Conditions:
Leigh syndrome (NULS). Also called: Leigh's necrotizing encephalopathy; Leigh's disease; Leigh Syndrome (mtDNA deletion); Leigh Disease; Subacute necrotizing encephalopathy; Necrotizing encephalopathy infantile subacute of Leigh. Identifiers: Orphanet 506, MedGen C2931891, MONDO:0009723, OMIM 256000.

Submission:

Wong Mito Lab, Molecular and Human Genetics, Baylor College of Medicine
Classification: Uncertain significance for Leigh syndrome. Last evaluated: 2019-10-17. Review status: criteria provided, single submitter. Criteria: Modified ACMG Guidelines (Unpublished). Collection method: clinical testing. Allele origin: germline.
Comment: The NC_012920.1:m.8415T>C (YP_003024030.1:p.Leu17Pro) variant in MTATP8 gene is interpretated to be a Uncertain Significance variant based on the modified ACMG guidelines (unpublished). This variant meets the following evidence codes: PP3, PP4

Literature cited by the submitters: PubMed 1757091.

NC_012920.1(MT-ATP8):m.8415T>C

Gene: MT-ATP8 (mitochondrially encoded ATP synthase 8; plus strand).
Variant type: single nucleotide variant.
Genome position: chrM-8415-T-C.
Identifiers: ClinVar variation 692851 (VCV000692851.1), dbSNP rs1603221470, ClinGen allele CA414796007.